The following is an entry in ClinVar:

ClinVar aggregate classification (germline): Uncertain significance (1 of 4 stars; one submission).

Conditions:
Neurofibromatosis, type 1 (NF1). Also called: Neurofibromatosis, type I; VON RECKLINGHAUSEN DISEASE; NEUROFIBROMATOSIS, TYPE I, SOMATIC; Peripheral type neurofibromatosis. Identifiers: Orphanet 636, MedGen C0027831, MONDO:0018975, OMIM 162200. Disease mechanism: loss of function.

Submission:

Labcorp Genetics (formerly Invitae), Labcorp
Classification: Uncertain significance for Neurofibromatosis, type 1. Last evaluated: 2021-03-03. Review status: criteria provided, single submitter. Criteria: Invitae Variant Classification Sherloc (09022015). Collection method: clinical testing. Allele origin: germline.
Comment: In summary, the available evidence is currently insufficient to determine the role of this variant in disease. Therefore, it has been classified as a Variant of Uncertain Significance. Experimental studies and prediction algorithms are not available or were not evaluated, and the functional significance of this variant is currently unknown. This variant has not been reported in the literature in individuals with NF1-related conditions. This variant is not present in population databases (ExAC no frequency). This variant, c.373_375del, results in the deletion of 1 amino acid(s) of the NF1 protein (p.Arg125del), but otherwise preserves the integrity of the reading frame.

NM_001042492.3(NF1):c.373_375del (p.Arg125del)

Gene: NF1 (neurofibromin 1; plus strand). Cytogenetic location: 17q11.2.
Variant type: Deletion.
Coding change: c.373_375del on transcript NM_001042492.3 (MANE Select); coding-DNA positions 373 to 375, 3 bases deleted (CGT; older notation c.373_375delCGT).
Protein change: p.Arg125del; deletes arginine 125.
Molecular consequence: inframe deletion. On other transcripts: inframe indel (1).
Genome position (GRCh38, 1-based): chr17:31,163,270-31,163,272, CGT deleted; deleting any 3 consecutive bases within chr17:31,163,268-31,163,272 gives the same sequence; the c. name uses the placement nearest the transcript's 3' end. VCF-style (leftmost placement, unchanged base first): chr17-31163267-TGTC-T. GRCh37 (hg19) VCF-style: chr17-29490285-TGTC-T.
Other names: c.373_375delCGT, p.Arg125del (NM_000267.4); c.373_375del, p.Arg125del (NM_001128147.3); short protein forms R125del.
Identifiers: ClinVar variation 1478752 (VCV001478752.8), dbSNP rs2143671923, ClinGen allele CA2573153571.
Genomic context (GRCh38, chr17:31,163,267, plus strand): 5'-TTAGATGAAACGATGCTGGTCAAACAGTTGCTGCCAGAAATCTGCCATTTTCTTCACACC[TGTC>T]GTGAAGGAAACCAGCATGCAGCTGAACTTCGGAATTCTGCCTCTGGGGTTTTATTTTCTC-3'